The following is an entry in ClinVar:

ClinVar aggregate classification (germline): Uncertain significance. Review status: criteria provided, multiple submitters, no conflicts (2 of 4 stars). 2 submissions from 2 submitters: Uncertain significance (2). Last evaluated 2022-10-05.

Conditions:
CHARGE syndrome (CHARGE). Also called: Hittner Hirsch Kreh syndrome; CHARGE ASSOCIATION--COLOBOMA, HEART ANOMALY, CHOANAL ATRESIA, RETARDATION, GENITAL AND EAR ANOMALIES; Coloboma, heart anomaly, choanal atresia, retardation, genital and ear anomalies; CHARGE association; Hall-Hittner syndrome. Identifiers: Orphanet 138, MedGen C0265354, MONDO:0008965.
Hypogonadotropic hypogonadism 5 with or without anosmia (KAL5). Also called: HYPOGONADOTROPIC HYPOGONADISM 5 WITH ANOSMIA; HYPOGONADOTROPHIC HYPOGONADISM 5 WITHOUT ANOSMIA; CHD7-Related GnRH Deficiency (Kallmann Syndrome 5). Identifiers: Orphanet 478, MedGen C3552553, MONDO:0012880, OMIM 612370. Disease mechanism: loss of function.

Allele frequency attached by ClinVar (database versions not stated): ExAC 0.00001; gnomAD 0.00001; gnomAD exomes 0.00001.
gnomAD v4.1: 6 of 1,606,920 alleles (0.00037%); highest among the groups gnomAD compares: South Asian, 0.0056%; no homozygotes.

Submissions (2):

Labcorp Genetics (formerly Invitae), Labcorp
Classification: Uncertain significance for CHARGE syndrome. Last evaluated: 2022-10-05. Review status: criteria provided, single submitter. Criteria: Invitae Variant Classification Sherloc (09022015). Collection method: clinical testing. Allele origin: germline.
Comment: This sequence change replaces methionine, which is neutral and non-polar, with valine, which is neutral and non-polar, at codon 986 of the CHD7 protein (p.Met986Val). This variant is present in population databases (rs764345519, gnomAD 0.007%). This variant has not been reported in the literature in individuals affected with CHD7-related conditions. ClinVar contains an entry for this variant (Variation ID: 1061707). Algorithms developed to predict the effect of missense changes on protein structure and function (SIFT, PolyPhen-2, Align-GVGD) all suggest that this variant is likely to be tolerated. In summary, the available evidence is currently insufficient to determine the role of this variant in disease. Therefore, it has been classified as a Variant of Uncertain Significance.

Juno Genomics, Hangzhou Juno Genomics, Inc
Classification: Uncertain significance for Hypogonadotropic hypogonadism 5 with or without anosmia. Review status: criteria provided, single submitter. Criteria: ACMG Guidelines, 2015. Collection method: clinical testing. Allele origin: germline. Affected: yes.
Comment: Absent from controls (or at extremely low frequency if recessive) in Genome Aggregation Database, Exome Sequencing Project, 1000 Genomes Project, or Exome Aggregation Consortium.;Missense variant in a gene that has a low rate of benign missense variation and where missense variants are a common mechanism of disease.

NM_017780.4(CHD7):c.2956A>G (p.Met986Val)

Gene: CHD7 (chromodomain helicase DNA binding protein 7; plus strand). Cytogenetic location: 8q12.2.
Variant type: single nucleotide variant.
Coding change: c.2956A>G on transcript NM_017780.4 (MANE Select); coding-DNA position 2956, A replaced by G.
Protein change: p.Met986Val; replaces methionine 986 with valine.
Molecular consequence: missense variant. On other transcripts: intron variant (1).
Genome position (GRCh38, 1-based): chr8:60,822,144, A>G. VCF-style: chr8-60822144-A-G. GRCh37 (hg19) VCF-style: chr8-61734703-A-G.
Other names: c.1717-40085A>G (NM_001316690.1); short protein forms M986V.
Identifiers: ClinVar variation 1061707 (VCV001061707.11), dbSNP rs764345519, ClinGen allele CA4759859.